The following is an entry in ClinVar:

NM_147127.5(EVC2):c.3048dup (p.His1017fs)

Gene: EVC2 (EvC ciliary complex subunit 2; minus strand). Cytogenetic location: 4p16.2.
Variant type: Duplication.
Coding change: c.3048dup on transcript NM_147127.5 (MANE Select); coding-DNA position 3048, one base duplicated (G; older notation c.3048dupG).
Protein change: p.His1017fs; shifts the reading frame from histidine 1017.
Molecular consequence: frameshift variant.
Genome position (GRCh38, 1-based): chr4:5,584,632, C duplicated on the plus strand (G on the coding strand, the reverse complement: EVC2 is on the minus strand). VCF-style (leftmost placement, unchanged base first): chr4-5584631-G-GC. GRCh37 (hg19) VCF-style: chr4-5586358-G-GC.
Other names: c.2808dup, p.His937fs (NM_001166136.2); short protein forms H1017fs, H937fs.
Identifiers: ClinVar variation 5011382 (VCV005011382.1).
Genomic context (GRCh38, chr4:5,584,631, plus strand): 5'-TACCAGAAAGACCCAGCTCTGTCCCCCTCTCCTTCCCAGCGCCTGCACTCACCCGGCTGT[G>GC]CGACTCCAGGATCTGTGTGCAGGCCGACTTGGTCAGCATCTCAGATGCACTCAGCTCTTC-3'

ClinVar aggregate classification (germline): Pathogenic (1 of 4 stars; one submission).

Conditions:
Ellis-van Creveld syndrome (EVC). Also called: MESOECTODERMAL DYSPLASIA; Chondroectodermal dysplasia. Identifiers: Orphanet 289, MedGen C0013903, MONDO:0009162, OMIM 225500.

Submission:

Myriad Genetics, Inc.
Classification: Pathogenic for Ellis-van Creveld syndrome. Last evaluated: 2023-08-18. Review status: criteria provided, single submitter. Criteria: Myriad Autosomal Dominant, Autosomal Recessive and X-Linked Classification Criteria (2023). Collection method: clinical testing. Allele origin: unknown.
Comment: NM_147127.4(EVC2):c.3048dupG(H1017Afs*51) is expected to be pathogenic in the context of EVC2-related Ellis-van Creveld syndrome. This variant is predicted to lead to an abnormal or absent protein product due to the creation of a premature termination codon in EVC2, a gene where loss-of-function variants are known to be pathogenic. Please note: this variant was assessed in the context of healthy population screening.